The following is an entry in ClinVar:

ClinVar aggregate classification (germline): Likely benign. Review status: criteria provided, multiple submitters, no conflicts (2 of 4 stars). 2 submissions from 2 submitters: Likely benign (2). Last evaluated 2026-09-01.

Conditions:
Ullrich congenital muscular dystrophy 2 (UCMD2). Identifiers: Orphanet 75840, MedGen C4225314, MONDO:0014654, OMIM 616470.
Bethlem myopathy 2 (BTHLM2). Identifiers: Orphanet 536516, Orphanet 610, MedGen C4225313, MONDO:0034022, OMIM 616471.

Allele frequency attached by ClinVar (database versions not stated): gnomAD 0.00001; TOPMed 0.00001; gnomAD exomes 0.00002 and 0.00004; ExAC 0.00005; ESP Exome Variant Server 0.00008.
gnomAD v4.1: 26 of 1,613,622 alleles (0.0016%); highest among the groups gnomAD compares: Non-Finnish European, 0.0019%; no homozygotes.

Submissions (2):

CeGaT Center for Human Genetics Tuebingen
Classification: Likely benign. Last evaluated: 2026-09-01. Review status: criteria provided, single submitter. Criteria: CeGaT Center For Human Genetics Tuebingen Variant Classification Criteria Version 2. Collection method: clinical testing. Allele origin: germline. Affected: yes. Observed: 2 variant alleles.
Comment: COL12A1: BP4, BP7

Labcorp Genetics (formerly Invitae), Labcorp
Classification: Likely benign for Bethlem myopathy 2; Ullrich congenital muscular dystrophy 2. Last evaluated: 2025-10-22. Review status: criteria provided, single submitter. Criteria: Invitae Variant Classification Sherloc (09022015). Collection method: clinical testing. Allele origin: germline.

NM_004370.6(COL12A1):c.3729T>C (p.Tyr1243=)

Gene: COL12A1 (collagen type XII alpha 1 chain; minus strand). Cytogenetic location: 6q13.
Variant type: single nucleotide variant.
Coding change: c.3729T>C on transcript NM_004370.6 (MANE Select); coding-DNA position 3729, T replaced by C.
Protein change: p.Tyr1243=; no amino-acid change (tyrosine 1243 retained).
Molecular consequence: synonymous variant.
Genome position (GRCh38, 1-based): chr6:75,152,237, A>G on the plus strand (T>C on the coding strand, the complement: COL12A1 is on the minus strand). VCF-style: chr6-75152237-A-G. GRCh37 (hg19) VCF-style: chr6-75861953-A-G.
Other names: c.237T>C, p.Tyr79= (NM_080645.3).
Identifiers: ClinVar variation 1137967 (VCV001137967.13), dbSNP rs374534617, ClinGen allele CA3893631.
Genomic context (GRCh38, chr6:75,152,237, plus strand): 5'-CAACAAGCTCTTCTTGTCTCTGTGTGCATTTAACTGCCACTCTGTTCTGGGATCCCCACT[A>G]TACTGAGCAAGAGCTAAAATGACACCACTGGCATTAGTGCATGTGAAAGAGAAAGATAAA-3'
Protein context (NP_004361.3, residues 1233-1253): PKRVQIALAQ[Tyr1243=]SGDPRTEWQL